The following is an entry in ClinVar:

ClinVar aggregate classification (germline): Uncertain significance (1 of 4 stars; one submission).

Conditions:
Arrhythmogenic cardiomyopathy with wooly hair and keratoderma. Also called: Carvajal syndrome; PALMOPLANTAR KERATODERMA WITH LEFT VENTRICULAR CARDIOMYOPATHY AND WOOLLY HAIR; Dilated cardiomyopathy with woolly hair and keratoderma; Arrhythmogenic cardiomyopathy with woolly hair and keratoderma. Identifiers: Orphanet 65282, MedGen C1854063, MONDO:0011581, OMIM 605676.

Submission:

All of Us Research Program, National Institutes of Health
Classification: Uncertain significance for Arrhythmogenic cardiomyopathy with wooly hair and keratoderma. Last evaluated: 2023-02-24. Review status: criteria provided, single submitter. Criteria: ACMG Guidelines, 2015. Collection method: clinical testing. Allele origin: germline. Inheritance: Autosomal dominant inheritance. Observed: 1 variant allele, 1 heterozygote.
Comment: This missense variant replaces isoleucine with threonine at codon 2086 of the DSP protein. Computational prediction is inconclusive regarding the impact of this variant on protein structure and function (internally defined REVEL score threshold 0.5 < inconclusive < 0.7, PMID: 27666373). To our knowledge, functional studies have not been reported for this variant. This variant has not been reported in individuals affected with DSP-related disorders in the literature. This variant has not been identified in the general population by the Genome Aggregation Database (gnomAD). The available evidence is insufficient to determine the role of this variant in disease conclusively. Therefore, this variant is classified as a Variant of Uncertain Significance.

This study involves interpretation of variants in research participants for the purpose of population health screening. Participant phenotype was not available at the time of variant classification. Additional details can be found in publication PMID: 35346344, PMCID: PMC8962531

NM_004415.4(DSP):c.6257T>C (p.Ile2086Thr)

Gene: DSP (desmoplakin; plus strand). Cytogenetic location: 6p24.3.
Variant type: single nucleotide variant.
Coding change: c.6257T>C on transcript NM_004415.4 (MANE Select); coding-DNA position 6257, T replaced by C.
Protein change: p.Ile2086Thr; replaces isoleucine 2086 with threonine.
Molecular consequence: missense variant.
Genome position (GRCh38, 1-based): chr6:7,583,519, T>C. VCF-style: chr6-7583519-T-C. GRCh37 (hg19) VCF-style: chr6-7583752-T-C.
Other names: c.4460T>C, p.Ile1487Thr (NM_001008844.3); c.4928T>C, p.Ile1643Thr (NM_001319034.2); short protein forms I1487T, I1643T, I2086T.
Identifiers: ClinVar variation 3069553 (VCV003069553.1), dbSNP rs2533940154, ClinGen allele CA362690413.